The following is an entry in ClinVar:

NM_133510.4(RAD51B):c.714G>A (p.Glu238=)

Gene: RAD51B (RAD51 paralog B; plus strand). Cytogenetic location: 14q24.1.
Variant type: single nucleotide variant.
Coding change: c.714G>A on transcript NM_133510.4 (MANE Select); coding-DNA position 714, G replaced by A.
Protein change: p.Glu238=; no amino-acid change (glutamic acid 238 retained).
Molecular consequence: synonymous variant.
Genome position (GRCh38, 1-based): chr14:67,887,162, G>A. VCF-style: chr14-67887162-G-A. GRCh37 (hg19) VCF-style: chr14-68353879-G-A.
Other names: NP_001308747.1:p.Glu238=; c.714G>A, p.Glu238= (NM_001321809.2, NM_001321810.2, NM_001321812.1 and 6 more transcripts); c.600G>A, p.Glu200= (NM_001321815.1); c.357G>A, p.Glu119= (NM_001321817.2); c.714G>A (NM_133510.3).
Identifiers: ClinVar variation 783691 (VCV000783691.11), dbSNP rs17104744, ClinGen allele CA7241156.
Genomic context (GRCh38, chr14:67,887,162, plus strand): 5'-GGAGTTTGATGCACAACTTCAAGGCAATCTCAAAGAAAGAAACAAGTTCTTGGCAAGAGA[G>A]GCATCCTCCTTGAAGTATTTGGCTGAGGAGTTTTCAATCCCAGTAAGTTTTTCTTTTTTT-3'
Protein context (NP_598194.1, residues 228-248): LKERNKFLAR[Glu238=]ASSLKYLAEE

ClinVar aggregate classification (germline): Benign. Review status: criteria provided, multiple submitters, no conflicts (2 of 4 stars). 5 submissions from 5 submitters: Benign (5). Last evaluated 2026-03-01.

Conditions:
Hereditary breast ovarian cancer syndrome. Also called: Breast and ovarian cancer; BRCA1- and BRCA2-Associated Hereditary Breast and Ovarian Cancer; Hereditary breast and/or ovarian cancer syndrome; Hereditary breast and ovarian cancer syndrome; Hereditary breast and ovarian cancer; Hereditary breast and ovarian cancer syndrome (HBOC). Identifiers: Orphanet 145, MedGen C0677776, MeSH D061325, MONDO:0003582. Disease mechanism: loss of function.

Allele frequency attached by ClinVar (database versions not stated): gnomAD exomes 0.00218; ExAC 0.00260; 1000 Genomes Project 30x 0.00734; 1000 Genomes Project 0.00759; gnomAD 0.00828 and 0.00904; TOPMed 0.00937; ESP Exome Variant Server 0.01069.
gnomAD v4.1: 2,397 of 1,612,062 alleles (0.15%); highest among the groups gnomAD compares: African/African-American, 2.9%; 33 homozygotes.

Submissions (5):

CeGaT Center for Human Genetics Tuebingen
Classification: Benign. Last evaluated: 2026-03-01. Review status: criteria provided, single submitter. Criteria: CeGaT Center For Human Genetics Tuebingen Variant Classification Criteria Version 2. Collection method: clinical testing. Allele origin: germline. Affected: yes. Observed: 1 variant allele.
Comment: RAD51B: BP4, BS1, BS2

Ambry Genetics
Classification: Benign. Last evaluated: 2024-10-28. Review status: criteria provided, single submitter. Criteria: Ambry Variant Classification Scheme 2023. Collection method: clinical testing. Allele origin: germline.

National Health Laboratory Service, Universitas Academic Hospital and University of the Free State
Classification: Benign for Hereditary breast ovarian cancer syndrome. Last evaluated: 2022-04-19. Review status: criteria provided, single submitter. Criteria: ACMG Guidelines, 2015. Collection method: clinical testing. Allele origin: germline. Affected: yes. Observed: 5 variant alleles.

Labcorp Genetics (formerly Invitae), Labcorp
Classification: Benign. Last evaluated: 2019-12-31. Review status: criteria provided, single submitter. Criteria: Invitae Variant Classification Sherloc (09022015). Collection method: clinical testing. Allele origin: germline.

Breakthrough Genomics
Classification: Benign. Review status: criteria provided, single submitter. Criteria: ACMG Guidelines, 2015. Collection method: not provided. Allele origin: germline. Inheritance: Unknown mechanism. Affected: yes.